The following is an entry in ClinVar:

ClinVar aggregate classification (germline): Benign/Likely benign. Review status: criteria provided, multiple submitters, no conflicts (2 of 4 stars). 7 submissions from 7 submitters: Benign (1); Likely benign (5). 1 of the submissions does not count toward it. Last evaluated 2026-01-03.

Conditions:
PLEC-related disorder. Also called: PLEC-related disorders; PLEC-related condition.
Autosomal recessive limb-girdle muscular dystrophy type 2Q (LGMDR17). Also called: MUSCULAR DYSTROPHY, LIMB-GIRDLE, AUTOSOMAL RECESSIVE 17. Identifiers: Orphanet 254361, MedGen C3150989, MONDO:0013390, OMIM 613723.
Epidermolysis bullosa simplex 5B, with muscular dystrophy (EBS5B). Also called: Epidermolysis bullosa simplex with muscular dystrophy; EPIDERMOLYSIS BULLOSA SIMPLEX AND LIMB-GIRDLE MUSCULAR DYSTROPHY. Identifiers: Orphanet 257, MedGen C2931072, MONDO:0009181, OMIM 226670.
Epidermolysis bullosa simplex, Ogna type (EBS5A). Also called: Pidermolysis bullosa simplex 5A, Ogna type; EPIDERMOLYSIS BULLOSA SIMPLEX 5A, OGNA TYPE. Identifiers: Orphanet 79401, MedGen C0432317, MONDO:0007555, OMIM 131950.
Epidermolysis bullosa simplex 5C, with pyloric atresia (EBS5C). Also called: PLEC-Related Epidermolysis Bullosa with Pyloric Atresia; Epidermolysis bullosa simplex with pyloric atresia; PLEC1-Related Epidermolysis Bullosa with Pyloric Atresia. Identifiers: Orphanet 158684, MedGen C2677349, MONDO:0012807, OMIM 612138.
Epidermolysis bullosa simplex with nail dystrophy (EBS5D). Identifiers: MedGen C4225309, MONDO:0014661, OMIM 616487.
Inborn genetic diseases. Identifiers: MedGen C0950123, MeSH D030342.

Allele frequency attached by ClinVar (database versions not stated): 1000 Genomes Project 0.00020; gnomAD exomes 0.00030 and 0.00054; 1000 Genomes Project 30x 0.00031; ExAC 0.00036; TOPMed 0.00039; gnomAD 0.00045 and 0.00048; ESP Exome Variant Server 0.00073.
gnomAD v4.1: 832 of 1,586,294 alleles (0.052%); highest among the groups gnomAD compares: Non-Finnish European, 0.067%; 1 homozygote.

Submissions (7):

Labcorp Genetics (formerly Invitae), Labcorp
Classification: Benign for Autosomal recessive limb-girdle muscular dystrophy type 2Q; Epidermolysis bullosa simplex, Ogna type; Epidermolysis bullosa simplex with nail dystrophy; Epidermolysis bullosa simplex 5C, with pyloric atresia; Epidermolysis bullosa simplex 5B, with muscular dystrophy. Last evaluated: 2026-01-03. Review status: criteria provided, single submitter. Criteria: Invitae Variant Classification Sherloc (09022015). Collection method: clinical testing. Allele origin: germline.

CeGaT Center for Human Genetics Tuebingen
Classification: Likely benign. Last evaluated: 2025-01-01. Review status: criteria provided, single submitter. Criteria: CeGaT Center For Human Genetics Tuebingen Variant Classification Criteria Version 2. Collection method: clinical testing. Allele origin: germline. Affected: yes. Observed: 3 variant alleles.
Comment: PLEC: BP4, BP7

Ambry Genetics
Classification: Likely benign for Inborn genetic diseases. Last evaluated: 2024-11-10. Review status: criteria provided, single submitter. Criteria: Ambry Variant Classification Scheme 2023. Collection method: clinical testing. Allele origin: germline.

Blueprint Genetics
Classification: Likely benign. Last evaluated: 2024-06-20. Review status: criteria provided, single submitter. Criteria: ACMG Guidelines, 2015. Collection method: clinical testing. Allele origin: germline.

Women's Health and Genetics/Laboratory Corporation of America, LabCorp
Classification: Likely benign. Last evaluated: 2024-06-19. Review status: criteria provided, single submitter. Criteria: LabCorp Variant Classification Summary - May 2015. Collection method: clinical testing. Allele origin: germline.

Eurofins Ntd Llc (ga)
Classification: Likely benign. Last evaluated: 2016-11-20. Review status: criteria provided, single submitter. Criteria: EGL Classification Definitions 2015. Collection method: clinical testing. Allele origin: germline. Observed: 3 variant alleles, 3 heterozygotes.

PreventionGenetics, part of Exact Sciences
Classification: Likely benign for PLEC-related condition. Last evaluated: 2024-09-23. Review status: no assertion criteria provided. Collection method: clinical testing. Allele origin: germline. Not counted in ClinVar's aggregate classification.
Comment: This variant is classified as likely benign based on ACMG/AMP sequence variant interpretation guidelines (Richards et al. 2015 PMID: 25741868, with internal and published modifications).

NM_201384.3(PLEC):c.6300G>A (p.Ala2100=)

Gene: PLEC (plectin; minus strand). Cytogenetic location: 8q24.3.
Variant type: single nucleotide variant.
Coding change: c.6300G>A on transcript NM_201384.3 (MANE Select); coding-DNA position 6300, G replaced by A.
Protein change: p.Ala2100=; no amino-acid change (alanine 2100 retained).
Molecular consequence: synonymous variant.
Genome position (GRCh38, 1-based): chr8:143,923,629, C>T on the plus strand (G>A on the coding strand, the complement: PLEC is on the minus strand). VCF-style: chr8-143923629-C-T. GRCh37 (hg19) VCF-style: chr8-144997797-C-T.
Other names: c.6381G>A (NM_000445.3); c.6381G>A, p.Ala2127= (NM_000445.5); c.6258G>A, p.Ala2086= (NM_201378.4); c.6234G>A, p.Ala2078= (NM_201379.3); c.6711G>A, p.Ala2237= (NM_201380.4); c.6204G>A, p.Ala2068= (NM_201381.3); c.6300G>A, p.Ala2100= (NM_201382.4); c.6312G>A, p.Ala2104= (NM_201383.3).
Identifiers: ClinVar variation 444765 (VCV000444765.41), dbSNP rs188154081, ClinGen allele CA4926049.